The following is an entry in ClinVar:

ClinVar aggregate classification (germline): Uncertain significance. Review status: criteria provided, multiple submitters, no conflicts (2 of 4 stars). 3 submissions from 3 submitters: Uncertain significance (3). Last evaluated 2025-12-22.

Conditions:
Hereditary cancer-predisposing syndrome. Also called: Tumor predisposition; Neoplastic Syndromes, Hereditary; Hereditary neoplastic syndrome; Hereditary Cancer Syndrome. Identifiers: Orphanet 140162, MedGen C0027672, MeSH D009386, MONDO:0015356.
Ataxia-telangiectasia syndrome (AT). Also called: Ataxia-telangiectasia, complementation group D; AT, COMPLEMENTATION GROUP C; ATAXIA-TELANGIECTASIA, COMPLEMENTATION GROUP A; ATAXIA-TELANGIECTASIA, FRESNO VARIANT; Ataxia-telangiectasia; Ataxia telangiectasia (A-T). Identifiers: Orphanet 100, MedGen C0004135, MONDO:0008840, OMIM 208900.

Allele frequency attached by ClinVar (database versions not stated): ExAC 0.00002; TOPMed below 0.00001; gnomAD exomes 0.00001.

Submissions (3):

Ambry Genetics
Classification: Uncertain significance for Hereditary cancer-predisposing syndrome. Last evaluated: 2025-12-22. Review status: criteria provided, single submitter. Criteria: Ambry Variant Classification Scheme 2023. Collection method: clinical testing. Allele origin: germline.
Comment: The p.M2405T variant (also known as c.7214T>C), located in coding exon 48 of the ATM gene, results from a T to C substitution at nucleotide position 7214. The methionine at codon 2405 is replaced by threonine, an amino acid with similar properties. This amino acid position is highly conserved in available vertebrate species. In addition, this alteration is predicted to be deleterious by in silico analysis. Since supporting evidence is limited at this time, the clinical significance of this alteration remains unclear.

Labcorp Genetics (formerly Invitae), Labcorp
Classification: Uncertain significance for Ataxia-telangiectasia syndrome. Last evaluated: 2025-10-13. Review status: criteria provided, single submitter. Criteria: Invitae Variant Classification Sherloc (09022015). Collection method: clinical testing. Allele origin: germline.
Comment: This sequence change replaces methionine, which is neutral and non-polar, with threonine, which is neutral and polar, at codon 2405 of the ATM protein (p.Met2405Thr). This variant is present in population databases (rs745440761, gnomAD 0.007%). This variant has not been reported in the literature in individuals affected with ATM-related conditions. ClinVar contains an entry for this variant (Variation ID: 944621). Invitae Evidence Modeling of protein sequence and biophysical properties (such as structural, functional, and spatial information, amino acid conservation, physicochemical variation, residue mobility, and thermodynamic stability) has been performed for this missense variant. However, the output from this modeling did not meet the statistical confidence thresholds required to predict the impact of this variant on ATM protein function. In summary, the available evidence is currently insufficient to determine the role of this variant in disease. Therefore, it has been classified as a Variant of Uncertain Significance.

Color Diagnostics, LLC DBA Color Health
Classification: Uncertain significance for Hereditary cancer-predisposing syndrome. Last evaluated: 2025-04-28. Review status: criteria provided, single submitter. Criteria: ACMG Guidelines, 2015. Collection method: clinical testing. Allele origin: germline.
Comment: This missense variant replaces methionine with threonine at codon 2405 of the ATM protein. Computational prediction is inconclusive regarding the impact of this variant on protein structure and function. To our knowledge, functional studies have not been reported for this variant. This variant has not been reported in individuals affected with ATM-related disorders in the literature. This variant has been identified in 2/251210 chromosomes in the general population by the Genome Aggregation Database (gnomAD). The available evidence is insufficient to determine the role of this variant in disease conclusively. Therefore, this variant is classified as a Variant of Uncertain Significance.

NM_000051.4(ATM):c.7214T>C (p.Met2405Thr)

Genes: ATM (ATM serine/threonine kinase; plus strand), C11orf65 (chromosome 11 open reading frame 65; minus strand). Cytogenetic location: 11q22.3.
Variant type: single nucleotide variant.
Coding change: c.7214T>C on transcript NM_000051.4 (MANE Select); coding-DNA position 7214, T replaced by C.
Protein change: p.Met2405Thr; replaces methionine 2405 with threonine.
Molecular consequence: missense variant. On other transcripts: intron variant (2).
Genome position (GRCh38, 1-based): chr11:108,329,145, T>C. VCF-style: chr11-108329145-T-C. GRCh37 (hg19) VCF-style: chr11-108199872-T-C.
Other names: c.7214T>C, p.Met2405Thr (NM_001351834.2); c.641-20074A>G (NM_001330368.2); c.*38+6075A>G (NM_001351110.2); short protein forms M2405T.
Identifiers: ClinVar variation 944621 (VCV000944621.11), dbSNP rs745440761, ClinGen allele CA6266080.